The following is an entry in ClinVar:

NM_001853.4(COL9A3):c.76C>A (p.Gln26Lys)

Gene: COL9A3 (collagen type IX alpha 3 chain; plus strand). Cytogenetic location: 20q13.33.
Variant type: single nucleotide variant.
Coding change: c.76C>A on transcript NM_001853.4 (MANE Select); coding-DNA position 76, C replaced by A.
Protein change: p.Gln26Lys; replaces glutamine 26 with lysine.
Molecular consequence: missense variant.
Genome position (GRCh38, 1-based): chr20:62,817,140, C>A. VCF-style: chr20-62817140-C-A. GRCh37 (hg19) VCF-style: chr20-61448492-C-A.
Other names: short protein forms Q26K.
Identifiers: ClinVar variation 2989542 (VCV002989542.3), dbSNP rs1990955208, ClinGen allele CA409586973.

ClinVar aggregate classification (germline): Uncertain significance (1 of 4 stars; one submission).

Submission:

Labcorp Genetics (formerly Invitae), Labcorp
Classification: Uncertain significance. Last evaluated: 2023-02-24. Review status: criteria provided, single submitter. Criteria: Invitae Variant Classification Sherloc (09022015). Collection method: clinical testing. Allele origin: germline.
Comment: In summary, the available evidence is currently insufficient to determine the role of this variant in disease. Therefore, it has been classified as a Variant of Uncertain Significance. Experimental studies and prediction algorithms are not available or were not evaluated, and the functional significance of this variant is currently unknown. This variant has not been reported in the literature in individuals affected with COL9A3-related conditions. This variant is not present in population databases (gnomAD no frequency). This sequence change replaces glutamine, which is neutral and polar, with lysine, which is basic and polar, at codon 26 of the COL9A3 protein (p.Gln26Lys).